The following is an entry in ClinVar:

ClinVar aggregate classification (germline): Uncertain significance (1 of 4 stars; one submission).

Submission:

Labcorp Genetics (formerly Invitae), Labcorp
Classification: Uncertain significance. Last evaluated: 2024-09-24. Review status: criteria provided, single submitter. Criteria: Invitae Variant Classification Sherloc (09022015). Collection method: clinical testing. Allele origin: germline.
Comment: This sequence change falls in intron 18 of the CFH gene. It does not directly change the encoded amino acid sequence of the CFH protein. This variant is not present in population databases (gnomAD no frequency). This variant has not been reported in the literature in individuals affected with CFH-related conditions. Algorithms developed to predict the effect of sequence changes on RNA splicing suggest that this variant may disrupt the consensus splice site. In summary, the available evidence is currently insufficient to determine the role of this variant in disease. Therefore, it has been classified as a Variant of Uncertain Significance.

NM_000186.4(CFH):c.2957-5T>C

Gene: CFH (complement factor H; plus strand). Cytogenetic location: 1q31.3.
Variant type: single nucleotide variant.
Coding change: c.2957-5T>C on transcript NM_000186.4 (MANE Select); 5 bases into the intron before coding-DNA position 2957, T replaced by C.
Molecular consequence: intron variant.
Genome position (GRCh38, 1-based): chr1:196,741,870, T>C. VCF-style: chr1-196741870-T-C. GRCh37 (hg19) VCF-style: chr1-196711000-T-C.
Identifiers: ClinVar variation 3691688 (VCV003691688.2).